The following is an entry in ClinVar:

ClinVar aggregate classification (germline): Uncertain significance (1 of 4 stars; one submission).

Conditions:
RASopathy. Also called: Noonan spectrum disorder; rasopathies. Identifiers: Orphanet 536391, MedGen C5555857, MONDO:0021060.

Submission:

Labcorp Genetics (formerly Invitae), Labcorp
Classification: Uncertain significance for RASopathy. Last evaluated: 2023-03-23. Review status: criteria provided, single submitter. Criteria: Invitae Variant Classification Sherloc (09022015). Collection method: clinical testing. Allele origin: unknown.
Comment: In summary, the available evidence is currently insufficient to determine the role of this variant in disease. Therefore, it has been classified as a Variant of Uncertain Significance. This variant has not been reported in the literature in individuals affected with CBL-related conditions. This variant results in a copy number gain of the genomic region encompassing exon(s) 1-3 of the CBL gene. This region includes the initiator codon of the gene. This copy number gain extends beyond the assayed region for this gene and therefore may encompass additional genes. As the precise location of this event is unknown, it may be in tandem or it may be located elsewhere in the genome.

NC_000011.9:g.(?_119077128)_(119142611_?)dup

Gene: CBL (Cbl proto-oncogene; plus strand). Cytogenetic location: 11q23.3.
Variant type: Duplication.
Identifiers: ClinVar variation 3244703 (VCV003244703.1).